The following is an entry in ClinVar:

NM_001378454.1(ALMS1):c.624T>A (p.Asp208Glu)

Gene: ALMS1 (ALMS1 centrosome and basal body associated protein; plus strand). Cytogenetic location: 2p13.1.
Variant type: single nucleotide variant.
Coding change: c.624T>A on transcript NM_001378454.1 (MANE Select); coding-DNA position 624, T replaced by A.
Protein change: p.Asp208Glu; replaces aspartic acid 208 with glutamic acid.
Molecular consequence: missense variant.
Genome position (GRCh38, 1-based): chr2:73,419,296, T>A. VCF-style: chr2-73419296-T-A. GRCh37 (hg19) VCF-style: chr2-73646424-T-A.
Other names: c.627T>A, p.Asp209Glu (NM_015120.4); short protein forms D208E, D209E.
Identifiers: ClinVar variation 1495744 (VCV001495744.6), dbSNP rs1671241779, ClinGen allele CA347259367.

ClinVar aggregate classification (germline): Uncertain significance (1 of 4 stars; one submission).

Conditions:
Alstrom syndrome (ALMS). Identifiers: Orphanet 64, MedGen C0268425, MONDO:0008763, OMIM 203800.

Submission:

Labcorp Genetics (formerly Invitae), Labcorp
Classification: Uncertain significance for Alstrom syndrome. Last evaluated: 2021-04-17. Review status: criteria provided, single submitter. Criteria: Invitae Variant Classification Sherloc (09022015). Collection method: clinical testing. Allele origin: germline.
Comment: This sequence change replaces aspartic acid with glutamic acid at codon 209 of the ALMS1 protein (p.Asp209Glu). The aspartic acid residue is moderately conserved and there is a small physicochemical difference between aspartic acid and glutamic acid. This variant is not present in population databases (ExAC no frequency). This variant has not been reported in the literature in individuals with ALMS1-related conditions. Experimental studies and prediction algorithms are not available or were not evaluated, and the functional significance of this variant is currently unknown. In summary, the available evidence is currently insufficient to determine the role of this variant in disease. Therefore, it has been classified as a Variant of Uncertain Significance.